The following is an entry in ClinVar:

NM_001009944.3(PKD1):c.5212C>G (p.Leu1738Val)

Gene: PKD1 (polycystin 1, transient receptor potential channel interacting; minus strand). Cytogenetic location: 16p13.3.
Variant type: single nucleotide variant.
Coding change: c.5212C>G on transcript NM_001009944.3 (MANE Select); coding-DNA position 5212, C replaced by G.
Protein change: p.Leu1738Val; replaces leucine 1738 with valine.
Molecular consequence: missense variant.
Genome position (GRCh38, 1-based): chr16:2,109,955, G>C on the plus strand (C>G on the coding strand, the complement: PKD1 is on the minus strand). VCF-style: chr16-2109955-G-C. GRCh37 (hg19) VCF-style: chr16-2159956-G-C.
Other names: c.5212C>G, p.Leu1738Val (NM_000296.4); short protein forms L1738V.
Identifiers: ClinVar variation 1305198 (VCV001305198.2), dbSNP rs960035220, ClinGen allele CA276781757.
Genomic context (GRCh38, chr16:2,109,955, plus strand): 5'-GCCCCTCCTCCAAGGACCAAGTGTATACGACACCACTGCCACCAGCCAGCTCGGCACTGA[G>C]GGTGACGCTTGTGTTGACGGCAGCTGGGTTCGGGGAGGCGGCCACCATCAGCCACCCCAC-3'
Protein context (NP_001009944.3, residues 1728-1748): NPAAVNTSVT[Leu1738Val]SAELAGGSGV

ClinVar aggregate classification (germline): Uncertain significance (1 of 4 stars; one submission).

Allele frequency attached by ClinVar (database versions not stated): TOPMed 0.00001.
gnomAD v4.1: 4 of 1,609,976 alleles (0.00025%); highest among the groups gnomAD compares: Non-Finnish European, 0.00034%; no homozygotes.

Submission:

GeneDx
Classification: Uncertain significance. Last evaluated: 2019-05-08. Review status: criteria provided, single submitter. Criteria: GeneDx Variant Classification Process June 2021. Collection method: clinical testing. Allele origin: germline. Affected: yes.
Comment: Not observed in large population cohorts (Lek et al., 2016); In silico analysis, which includes protein predictors and evolutionary conservation, supports that this variant does not alter protein structure/function; However, In silico analysis using splice predictors suggests this variant may impact gene splicing. In the absence of RNA/functional studies, the actual effect of this sequence change is unknown.; Has not been previously published as pathogenic or benign to our knowledge